The following is an entry in ClinVar:

ClinVar aggregate classification (germline): Pathogenic/Likely pathogenic. Review status: criteria provided, multiple submitters, no conflicts (2 of 4 stars). 2 submissions from 2 submitters: Pathogenic (1); Likely pathogenic (1). Last evaluated 2025-11-08.

Submissions (2):

Labcorp Genetics (formerly Invitae), Labcorp
Classification: Pathogenic. Last evaluated: 2025-11-08. Review status: criteria provided, single submitter. Criteria: Invitae Variant Classification Sherloc (09022015). Collection method: clinical testing. Allele origin: germline.
Comment: This sequence change creates a premature translational stop signal (p.Phe724*) in the PHEX gene. While this is not anticipated to result in nonsense mediated decay, it is expected to disrupt the last 26 amino acid(s) of the PHEX protein. This variant is not present in population databases (gnomAD no frequency). This premature translational stop signal has been observed in individual(s) with hypophosphatemia (PMID: 16055933, 32253725). In at least one individual the variant was observed to be de novo. ClinVar contains an entry for this variant (Variation ID: 546044). This variant disrupts a region of the PHEX protein in which other variant(s) (p.Arg747*) have been determined to be pathogenic (PMID: 9199930, 9768674). This suggests that this is a clinically significant region of the protein, and that variants that disrupt it are likely to be disease-causing. For these reasons, this variant has been classified as Pathogenic.

GeneDx
Classification: Likely pathogenic. Last evaluated: 2018-05-22. Review status: criteria provided, single submitter. Criteria: GeneDx Variant Classification (06012015). Collection method: clinical testing. Allele origin: germline. Affected: yes.
Comment: The c.2171_2172delTT variant in the PHEX gene has been reported previously in association with X-linked Hypophosphatemic Rickets (Cho et al., 2005). The deletion creates a premature Stop codon at position Phenylalanine 724, denoted p.Phe724Term. This variant is predicted to cause loss of normal protein function through protein truncation as the last 26 amino acids are lost. The c.2171_2172delTT variant is not observed in large population cohorts (Lek et al., 2016). This variant is likely pathogenic.

Literature cited by the submitters: PubMed 16055933 (cited by Labcorp Genetics (formerly Invitae), Labcorp); PubMed 32253725 (cited by Labcorp Genetics (formerly Invitae), Labcorp); PubMed 9199930 (cited by Labcorp Genetics (formerly Invitae), Labcorp); PubMed 9768674 (cited by Labcorp Genetics (formerly Invitae), Labcorp).

NM_000444.6(PHEX):c.2171_2172del (p.Asn723_Phe724insTer)

Genes: PHEX (phosphate regulating endopeptidase X-linked; plus strand), PTCHD1-AS (PTCHD1 and PHEX antisense RNA; minus strand). Cytogenetic location: Xp22.11.
Variant type: Deletion.
Coding change: c.2171_2172del on transcript NM_000444.6 (MANE Select); coding-DNA positions 2171 to 2172, 2 bases deleted (TT; older notation c.2171_2172delTT).
Protein change: p.Asn723_Phe724insTer.
Molecular consequence: nonsense. On other transcripts: 3 prime UTR variant (1).
Genome position (GRCh38, 1-based): chrX:22,247,874-22,247,875, TT deleted; deleting any 2 consecutive bases within chrX:22,247,873-22,247,875 gives the same sequence; the c. name uses the placement nearest the transcript's 3' end. VCF-style (leftmost placement, unchanged base first): chrX-22247872-CTT-C. GRCh37 (hg19) VCF-style: chrX-22265989-CTT-C.
Other names: c.*6_*7del (NM_001282754.2).
Identifiers: ClinVar variation 546044 (VCV000546044.5), dbSNP rs1556205980, ClinGen allele CA658824113.